The following is an entry in ClinVar:

ClinVar aggregate classification (germline): Uncertain significance. Review status: criteria provided, multiple submitters, no conflicts (2 of 4 stars). 3 submissions from 3 submitters: Uncertain significance (3). Last evaluated 2025-05-09.

Conditions:
Cardiovascular phenotype. Identifiers: MedGen CN230736.
Cutis laxa, autosomal recessive, type 1B (ARCL1B). Also called: CUTIS LAXA, AUTOSOMAL RECESSIVE, TYPE IB; EFEMP2-Related Cutis Laxa. Identifiers: Orphanet 90349, MedGen C3280798, MONDO:0013754, OMIM 614437. Disease mechanism: loss of function.

Allele frequency attached by ClinVar (database versions not stated): gnomAD 0.00001; gnomAD exomes 0.00001 and 0.00002; TOPMed 0.00003.

Submissions (3):

Women's Health and Genetics/Laboratory Corporation of America, LabCorp
Classification: Uncertain significance. Last evaluated: 2025-05-09. Review status: criteria provided, single submitter. Criteria: LabCorp Variant Classification Summary - May 2015. Collection method: clinical testing. Allele origin: germline.
Comment: Variant summary: EFEMP2 c.307G>A (p.Ala103Thr) results in a non-conservative amino acid change in the encoded protein sequence. Algorithms developed to predict the effect of missense changes on protein structure and function are either unavailable or do not agree on the potential impact of this missense change. The variant allele was found at a frequency of 2.4e-05 in 251342 control chromosomes (gnomAD). The available data on variant occurrences in the general population are insufficient to allow any conclusion about variant significance. To our knowledge, no occurrence of c.307G>A in individuals affected with Autosomal Recessive Cutis Laxa and no experimental evidence demonstrating its impact on protein function have been reported. ClinVar contains an entry for this variant (Variation ID: 472820). Based on the evidence outlined above, the variant was classified as uncertain significance.

Ambry Genetics
Classification: Uncertain significance for Cardiovascular phenotype. Last evaluated: 2024-03-14. Review status: criteria provided, single submitter. Criteria: Ambry Variant Classification Scheme 2023. Collection method: clinical testing. Allele origin: germline.
Comment: The p.A103T variant (also known as c.307G>A), located in coding exon 3 of the EFEMP2 gene, results from a G to A substitution at nucleotide position 307. The alanine at codon 103 is replaced by threonine, an amino acid with similar properties. This amino acid position is well conserved in available vertebrate species. In addition, this alteration is predicted to be tolerated by in silico analysis. Based on the available evidence, the clinical significance of this alteration remains unclear.

Labcorp Genetics (formerly Invitae), Labcorp
Classification: Uncertain significance for Cutis laxa, autosomal recessive, type 1B. Last evaluated: 2021-08-31. Review status: criteria provided, single submitter. Criteria: Invitae Variant Classification Sherloc (09022015). Collection method: clinical testing. Allele origin: germline.
Comment: This sequence change replaces alanine with threonine at codon 103 of the EFEMP2 protein (p.Ala103Thr). The alanine residue is highly conserved and there is a small physicochemical difference between alanine and threonine. This variant is not present in population databases (ExAC no frequency). This variant has not been reported in the literature in individuals affected with EFEMP2-related conditions. Algorithms developed to predict the effect of missense changes on protein structure and function are either unavailable or do not agree on the potential impact of this missense change (SIFT: "Deleterious"; PolyPhen-2: "Benign"; Align-GVGD: "Class C0"). In summary, the available evidence is currently insufficient to determine the role of this variant in disease. Therefore, it has been classified as a Variant of Uncertain Significance.

NM_016938.5(EFEMP2):c.307G>A (p.Ala103Thr)

Gene: EFEMP2 (EGF-like fibulin extracellular matrix protein 2; minus strand). Cytogenetic location: 11q13.1.
Variant type: single nucleotide variant.
Coding change: c.307G>A on transcript NM_016938.5 (MANE Select); coding-DNA position 307, G replaced by A.
Protein change: p.Ala103Thr; replaces alanine 103 with threonine.
Molecular consequence: missense variant. On other transcripts: non-coding transcript variant (1).
Genome position (GRCh38, 1-based): chr11:65,871,217, C>T on the plus strand (G>A on the coding strand, the complement: EFEMP2 is on the minus strand). VCF-style: chr11-65871217-C-T. GRCh37 (hg19) VCF-style: chr11-65638688-C-T.
Other names: short protein forms A103T.
Identifiers: ClinVar variation 472820 (VCV000472820.7), dbSNP rs1008465800, ClinGen allele CA223978358.